The following is an entry in ClinVar:

ClinVar aggregate classification (germline): Uncertain significance. Review status: criteria provided, multiple submitters, no conflicts (2 of 4 stars). 3 submissions from 3 submitters: Uncertain significance (3). Last evaluated 2026-01-11.

Conditions:
Inborn genetic diseases. Identifiers: MedGen C0950123, MeSH D030342.
Primary ciliary dyskinesia 30. Also called: CILIARY DYSKINESIA, PRIMARY, 30, WITH OR WITHOUT SITUS INVERSUS. Identifiers: Orphanet 244, MedGen C4015016, MONDO:0014465, OMIM 616037.

Allele frequency attached by ClinVar (database versions not stated): ExAC 0.00001; TOPMed 0.00003; gnomAD 0.00004 and 0.00005.
gnomAD v4.1: 29 of 1,613,786 alleles (0.0018%); highest among the groups gnomAD compares: African/African-American, 0.0067%; no homozygotes.

Submissions (3):

Labcorp Genetics (formerly Invitae), Labcorp
Classification: Uncertain significance for Primary ciliary dyskinesia 30. Last evaluated: 2026-01-11. Review status: criteria provided, single submitter. Criteria: Invitae Variant Classification Sherloc (09022015). Collection method: clinical testing. Allele origin: germline.
Comment: This sequence change replaces isoleucine, which is neutral and non-polar, with valine, which is neutral and non-polar, at codon 301 of the CCDC151 protein (p.Ile301Val). This variant is present in population databases (rs750661034, gnomAD 0.008%). This variant has not been reported in the literature in individuals affected with CCDC151-related conditions. ClinVar contains an entry for this variant (Variation ID: 241947). An algorithm developed to predict the effect of missense changes on protein structure and function outputs the following: PolyPhen-2: "Benign". The valine amino acid residue is found in multiple mammalian species, which suggests that this missense change does not adversely affect protein function. In summary, the available evidence is currently insufficient to determine the role of this variant in disease. Therefore, it has been classified as a Variant of Uncertain Significance.

Ambry Genetics
Classification: Uncertain significance for Inborn genetic diseases. Last evaluated: 2025-06-06. Review status: criteria provided, single submitter. Criteria: Ambry Variant Classification Scheme 2023. Collection method: clinical testing. Allele origin: germline.

Breakthrough Genomics
Classification: Uncertain significance. Review status: criteria provided, single submitter. Criteria: ACMG Guidelines, 2015. Collection method: not provided. Allele origin: germline. Inheritance: Autosomal recessive inheritance. Affected: yes.

NM_145045.5(ODAD3):c.901A>G (p.Ile301Val)

Gene: ODAD3 (outer dynein arm docking complex subunit 3; minus strand). Cytogenetic location: 19p13.2.
Variant type: single nucleotide variant.
Coding change: c.901A>G on transcript NM_145045.5 (MANE Select); coding-DNA position 901, A replaced by G.
Protein change: p.Ile301Val; replaces isoleucine 301 with valine.
Molecular consequence: missense variant.
Genome position (GRCh38, 1-based): chr19:11,426,206, T>C on the plus strand (A>G on the coding strand, the complement: ODAD3 is on the minus strand). VCF-style: chr19-11426206-T-C. GRCh37 (hg19) VCF-style: chr19-11537026-T-C.
Other names: c.739A>G, p.Ile247Val (NM_001302453.1); c.721A>G, p.Ile241Val (NM_001302454.2); short protein forms I301V, I247V, I241V.
Identifiers: ClinVar variation 241947 (VCV000241947.6), dbSNP rs750661034, ClinGen allele CA9212221.
Genomic context (GRCh38, chr19:11,426,206, plus strand): 5'-TGCGCTCCATGCGCTCGTTCTCCAGTTTCTTCTCCTCGGCGCGCTTCTTGCACTCACTTA[T>C]GTAGCGTTCCCGCTTCTTGCGCTCTCGAACCAAGGTCTCCTCTAGGTACTGCAGCTGGTT-3'
Protein context (NP_659482.3, residues 291-311): VRERKKRERY[Ile301Val]SECKKRAEEK